The following is an entry in ClinVar:

ClinVar aggregate classification (germline): Conflicting classifications of pathogenicity. Review status: criteria provided, conflicting classifications (1 of 4 stars). 4 submissions from 3 submitters: Pathogenic (1); Likely pathogenic (2); Uncertain significance (1). Last evaluated 2026-06-05.

Conditions:
Primary ciliary dyskinesia 7. Also called: CILIARY DYSKINESIA, PRIMARY, 7, WITH OR WITHOUT SITUS INVERSUS. Identifiers: Orphanet 244, MedGen C2678473, MONDO:0012748, OMIM 611884.
Primary ciliary dyskinesia. Also called: Ciliary dyskinesia. Identifiers: Orphanet 244, MedGen C0008780, MONDO:0016575, HP:0012265.

Allele frequency attached by ClinVar (database versions not stated): TOPMed below 0.00001; ExAC 0.00002; gnomAD exomes 0.00002 and 0.00003.

Submissions (4):

Department of Human Genetics, Hannover Medical School
Classification: Likely pathogenic for Primary ciliary dyskinesia 7. Last evaluated: 2026-06-05. Review status: criteria provided, single submitter. Criteria: ACMG Guidelines, 2015. Collection method: clinical testing. Allele origin: germline. Affected: yes.
Comment: PM2 supporting, PM3 strong, PP3, PP4 moderate

Department of Human Genetics, Hannover Medical School
Classification: Uncertain significance for Primary Ciliary Dyskinesia. Last evaluated: 2026-04-01. Review status: criteria provided, single submitter. Criteria: ACMG Guidelines, 2015. Collection method: research. Allele origin: germline. Affected: yes.
Comment: Classification performed by HerediClassify using the following criteria:['PM2_supporting: Variant occures does not occur as homozygous in gnomAD.', 'PP3_protein_supporting: Variant is predicted to be pathogenic by REVEL with evidence strength supporting.', "PP4_moderate: The PICADAR socre of 12.0 exceeds threshold of 8 achieving 'strong' evidence strength."]

Labcorp Genetics (formerly Invitae), Labcorp
Classification: Pathogenic for Primary ciliary dyskinesia. Last evaluated: 2026-01-26. Review status: criteria provided, single submitter. Criteria: Invitae Variant Classification Sherloc (09022015). Collection method: clinical testing. Allele origin: germline.
Comment: This sequence change replaces glycine, which is neutral and non-polar, with arginine, which is basic and polar, at codon 3422 of the DNAH11 protein (p.Gly3422Arg). This variant is present in population databases (rs764509824, gnomAD 0.004%). This missense change has been observed in individual(s) with clinical features of primary ciliary dyskinesia (PMID: 20513915; internal data). ClinVar contains an entry for this variant (Variation ID: 952311). Invitae Evidence Modeling of protein sequence and biophysical properties (such as structural, functional, and spatial information, amino acid conservation, physicochemical variation, residue mobility, and thermodynamic stability) indicates that this missense variant is expected to disrupt DNAH11 protein function with a positive predictive value of 80%. For these reasons, this variant has been classified as Pathogenic.

Genetics and Molecular Pathology, SA Pathology
Classification: Likely pathogenic for Primary ciliary dyskinesia 7. Last evaluated: 2023-05-02. Review status: criteria provided, single submitter. Criteria: ACMG Guidelines, 2015. Collection method: clinical testing. Allele origin: germline. Inheritance: Autosomal recessive inheritance. Affected: yes.
Comment: The DNAH11 c.10264G>A variant is classified a likely pathogenic (PM2, PS4_supporting, PM3, PP3_Supporting). The DNAH11 c.10264G>A variant is a single nucleotide change in exon 63/82 of the DNAH11 gene, which is predicted to change the amino acid glycine at position 3422 in the protein to arginine. This variant is absent from population databases (PM2). This variant has been detected in trans with a second pathogenic variant in three patients from two unrelated families affected with primary ciliary dyskinesia (PMID: 20513915, 36003331) (PM3, PS4_supporting). It has also been reported as homozygous in a patient with PCD, classified as a VUS (PMID: 33447612). Computational predictions support a deleterious effect on the gene or gene (PP3_Supporting). The variant has been reported in dbSNP (rs764509824) and in the HGMD database (CM105718). It has been reported as likely pathogenic by other diagnostic laboratory (ClinVar Variation ID: 952311).

Literature cited by the submitters: PubMed 20513915 (cited by Labcorp Genetics (formerly Invitae), Labcorp and Genetics and Molecular Pathology, SA Pathology); PubMed 33447612 (cited by Genetics and Molecular Pathology, SA Pathology); PubMed 36003331 (cited by Genetics and Molecular Pathology, SA Pathology).

NM_001277115.2(DNAH11):c.10264G>A (p.Gly3422Arg)

Gene: DNAH11 (dynein axonemal heavy chain 11; plus strand). Cytogenetic location: 7p15.3.
Variant type: single nucleotide variant.
Coding change: c.10264G>A on transcript NM_001277115.2 (MANE Select); coding-DNA position 10264, G replaced by A.
Protein change: p.Gly3422Arg; replaces glycine 3422 with arginine.
Molecular consequence: missense variant.
Genome position (GRCh38, 1-based): chr7:21,807,981, G>A. VCF-style: chr7-21807981-G-A. GRCh37 (hg19) VCF-style: chr7-21847599-G-A.
Other names: short protein forms G3422R.
Identifiers: ClinVar variation 952311 (VCV000952311.10), dbSNP rs764509824, ClinGen allele CA4182302.